The following is an entry in ClinVar:

ClinVar aggregate classification (germline): Uncertain significance (1 of 4 stars; one submission).

Submission:

Women's Health and Genetics/Laboratory Corporation of America, LabCorp
Classification: Uncertain significance. Last evaluated: 2023-12-11. Review status: criteria provided, single submitter. Criteria: LabCorp Variant Classification Summary - May 2015. Collection method: clinical testing. Allele origin: germline.
Comment: Variant summary: PLXNA3 c.1540C>T (p.Arg514X) results in a premature termination codon, predicted to cause a truncation of the encoded protein or absence of the protein due to nonsense mediated decay, however current evidence is not sufficient to establish loss-of-function variants in PLXNA3 as causative of disease. The variant was absent in 157032 control chromosomes. The available data on variant occurrences in the general population are insufficient to allow any conclusion about variant significance. To our knowledge, no occurrence of c.1540C>T in individuals affected with PLXNA3-Related Disorders and no experimental evidence demonstrating its impact on protein function have been reported. No submitters have cited clinical-significance assessments for this variant to ClinVar after 2014. Based on the evidence outlined above, the variant was classified as uncertain significance.

NM_017514.5(PLXNA3):c.1540C>T (p.Arg514Ter)

Gene: PLXNA3 (plexin A3; plus strand). Cytogenetic location: Xq28.
Variant type: single nucleotide variant.
Coding change: c.1540C>T on transcript NM_017514.5 (MANE Select); coding-DNA position 1540, C replaced by T.
Protein change: p.Arg514Ter; replaces arginine 514 with a stop codon.
Molecular consequence: nonsense.
Genome position (GRCh38, 1-based): chrX:154,463,683, C>T. VCF-style: chrX-154463683-C-T. GRCh37 (hg19) VCF-style: chrX-153692026-C-T.
Other names: short protein forms R514*.
Identifiers: ClinVar variation 2691598 (VCV002691598.1), dbSNP rs2523074105, ClinGen allele CA415235541.